The following is an entry in ClinVar:

ClinVar aggregate classification (germline): Uncertain significance (1 of 4 stars; one submission).

Conditions:
Brain-lung-thyroid syndrome. Also called: CHOREOATHETOSIS AND CONGENITAL HYPOTHYROIDISM WITH PULMONARY DYSFUNCTION; Choreoathetosis, Congenital Hypothyroidism, and Neonatal Respiratory Distress Syndrome (Brain-Lung-Thyroid Syndrome); Choreoathetosis, congenital hypothyroidism, and neonatal respiratory distress. Identifiers: Orphanet 209905, MedGen C1970269, MONDO:0012593, OMIM 610978.

Submission:

Johns Hopkins Genomics, Johns Hopkins University
Classification: Uncertain significance for Brain-lung-thyroid syndrome. Last evaluated: 2019-03-05. Review status: criteria provided, single submitter. Criteria: ACMG Guidelines, 2015. Collection method: clinical testing. Allele origin: germline.
Comment: This NKX2-1 variant is absent from large population datasets and has not been reported in ClinVar nor the literature, to our knowledge. Two bioinformatic tools queried predict that this substitution would be damaging, and the threonine residue at this position is highly evolutionarily conserved across most species assessed. This variant is located within the protein's DNA-binding homeodomain, which is important for the transcriptional activity of TTF-1 target genes. The clinical significance of c.698C>T is uncertain at this time.

Literature cited by the submitters: PubMed 29538355.

NM_001079668.3(NKX2-1):c.698C>T (p.Thr233Met)

Genes: NKX2-1 (NK2 homeobox 1; minus strand), SFTA3 (surfactant associated 3; minus strand). Cytogenetic location: 14q13.3.
Variant type: single nucleotide variant.
Coding change: c.698C>T on transcript NM_001079668.3 (MANE Select); coding-DNA position 698, C replaced by T.
Protein change: p.Thr233Met; replaces threonine 233 with methionine.
Molecular consequence: missense variant.
Genome position (GRCh38, 1-based): chr14:36,517,786, G>A on the plus strand (C>T on the coding strand, the complement: NKX2-1 is on the minus strand). VCF-style: chr14-36517786-G-A. GRCh37 (hg19) VCF-style: chr14-36986991-G-A.
Other names: c.608C>T, p.Thr203Met (NM_003317.4); short protein forms T233M, T203M.
Identifiers: ClinVar variation 635555 (VCV000635555.1), dbSNP rs1594404015, ClinGen allele CA389459248.